The following is an entry in ClinVar:

NM_001122681.2(SH3BP2):c.*3350C>G

Gene: SH3BP2 (SH3 domain binding protein 2; plus strand). Cytogenetic location: 4p16.3.
Variant type: single nucleotide variant.
Coding change: c.*3350C>G on transcript NM_001122681.2 (MANE Select); 3350 bases downstream of the stop codon, C replaced by G.
Molecular consequence: 3 prime UTR variant.
Genome position (GRCh38, 1-based): chr4:2,837,184, C>G. VCF-style: chr4-2837184-C-G. GRCh37 (hg19) VCF-style: chr4-2838911-C-G.
Other names: c.*3350C>G (LRG_1334t2, LRG_1334t1, NM_001145855.2 and 2 more transcripts).
Identifiers: ClinVar variation 348657 (VCV000348657.5), dbSNP rs114672897, ClinGen allele CA10620929.

ClinVar aggregate classification (germline): Benign (1 of 4 stars; one submission).

Conditions:
Fibrous dysplasia of jaw (CRBM). Also called: Cherubism. Identifiers: Orphanet 184, MedGen C0008029, MONDO:0007315, OMIM 118400.

Allele frequency attached by ClinVar (database versions not stated): gnomAD 0.03173 and 0.03402; 1000 Genomes Project 0.03514; TOPMed 0.03611; 1000 Genomes Project 30x 0.03732.

Submission:

Illumina Laboratory Services, Illumina
Classification: Benign for Fibrous dysplasia of jaw. Last evaluated: 2018-01-13. Review status: criteria provided, single submitter. Criteria: ICSL Variant Classification Criteria 13 December 2019. Collection method: clinical testing. Allele origin: germline.
Comment: This variant was observed in the ICSL laboratory as part of a predisposition screen in an ostensibly healthy population. It had not been previously curated by ICSL or reported in the Human Gene Mutation Database (HGMD: prior to June 1st, 2018), and was therefore a candidate for classification through an automated scoring system. Utilizing variant allele frequency, disease prevalence and penetrance estimates, and inheritance mode, an automated score was calculated to assess if this variant is too frequent to cause the disease. Based on the score and internal cut-off values, a variant classified as benign is not then subjected to further curation. The score for this variant resulted in a classification of benign for this disease.